The following is an entry in ClinVar:

ClinVar aggregate classification (germline): Uncertain significance (1 of 4 stars; one submission).

Submission:

GeneDx
Classification: Uncertain significance. Last evaluated: 2023-01-13. Review status: criteria provided, single submitter. Criteria: GeneDx Variant Classification Process June 2021. Collection method: clinical testing. Allele origin: germline. Affected: yes.
Comment: Not observed at significant frequency in large population cohorts (gnomAD); In silico analysis supports that this missense variant has a deleterious effect on protein structure/function; Has not been previously published as pathogenic or benign to our knowledge

NM_001098511.3(KIF2A):c.1165G>C (p.Asp389His)

Gene: KIF2A (kinesin family member 2A; plus strand). Cytogenetic location: 5q12.1.
Variant type: single nucleotide variant.
Coding change: c.1165G>C on transcript NM_001098511.3 (MANE Select); coding-DNA position 1165, G replaced by C.
Protein change: p.Asp389His; replaces aspartic acid 389 with histidine.
Molecular consequence: missense variant.
Genome position (GRCh38, 1-based): chr5:62,363,223, G>C. VCF-style: chr5-62363223-G-C. GRCh37 (hg19) VCF-style: chr5-61659050-G-C.
Other names: c.1084G>C, p.Asp362His (NM_001243952.2); c.1108G>C, p.Asp370His (NM_001243953.2); c.1165G>C, p.Asp389His (NM_004520.5); short protein forms D362H, D370H, D389H.
Identifiers: ClinVar variation 2572958 (VCV002572958.1), dbSNP rs2531356625, ClinGen allele CA359950962.